The following is an entry in ClinVar:

ClinVar aggregate classification (germline): Uncertain significance (1 of 4 stars; one submission).

Conditions:
Developmental and epileptic encephalopathy, 14 (DEE14). Also called: Early infantile epileptic encephalopathy 14. Identifiers: Orphanet 293181, MedGen C3554195, MONDO:0013989, OMIM 614959.
Autosomal dominant nocturnal frontal lobe epilepsy 5. Also called: KCNT1-Related Epilepsy; Epilepsy, nocturnal frontal lobe, 5; CILIARY DYSKINESIA, PRIMARY, 28, WITHOUT SITUS INVERSUS; CILIARY DYSKINESIA, PRIMARY, 28, WITH SITUS INVERSUS. Identifiers: Orphanet 98784, MedGen C3554306, MONDO:0014002, OMIM 615005.

Allele frequency attached by ClinVar (database versions not stated): gnomAD exomes below 0.00001; gnomAD 0.00001; TOPMed 0.00001.
gnomAD v4.1: 4 of 1,613,318 alleles (0.00025%); highest among the groups gnomAD compares: Non-Finnish European, 0.00025%; no homozygotes.

Submission:

Labcorp Genetics (formerly Invitae), Labcorp
Classification: Uncertain significance for Autosomal dominant nocturnal frontal lobe epilepsy 5; Developmental and epileptic encephalopathy, 14. Last evaluated: 2024-05-06. Review status: criteria provided, single submitter. Criteria: Invitae Variant Classification Sherloc (09022015). Collection method: clinical testing. Allele origin: germline.
Comment: This sequence change falls in intron 23 of the KCNT1 gene. It does not directly change the encoded amino acid sequence of the KCNT1 protein. It affects a nucleotide within the consensus splice site. This variant is not present in population databases (gnomAD no frequency). This variant has not been reported in the literature in individuals affected with KCNT1-related conditions. ClinVar contains an entry for this variant (Variation ID: 1524453). Variants that disrupt the consensus splice site are a relatively common cause of aberrant splicing (PMID: 17576681, 9536098). Algorithms developed to predict the effect of sequence changes on RNA splicing suggest that this variant may disrupt the consensus splice site. In summary, the available evidence is currently insufficient to determine the role of this variant in disease. Therefore, it has been classified as a Variant of Uncertain Significance.

Literature cited by the submitters: PubMed 17576681; PubMed 9536098.

NM_020822.3(KCNT1):c.2729+4C>T

Gene: KCNT1 (potassium sodium-activated channel subfamily T member 1; plus strand). Cytogenetic location: 9q34.3.
Variant type: single nucleotide variant.
Coding change: c.2729+4C>T on transcript NM_020822.3 (MANE Select); 4 bases into the intron after coding-DNA position 2729, C replaced by T.
Molecular consequence: intron variant.
Genome position (GRCh38, 1-based): chr9:135,778,826, C>T. VCF-style: chr9-135778826-C-T. GRCh37 (hg19) VCF-style: chr9-138670672-C-T.
Other names: c.2594+4C>T (NM_001272003.2).
Identifiers: ClinVar variation 1524453 (VCV001524453.6), dbSNP rs1044688968, ClinGen allele CA201480888.
Genomic context (GRCh38, chr9:135,778,826, plus strand): 5'-CGAGGAGGACTACATGGCGGACGCCAAGACCATCGTCAACGTGCAGACCATGTTCCGGTG[C>T]GTCCAGTGTCCGGGGCTCGGCTCTAAACCACCCCACAGCCACGACCACGGGCCCTCGCCC-3'